The following is an entry in ClinVar:

NM_000383.4(AIRE):c.785A>G (p.Gln262Arg)

Gene: AIRE (autoimmune regulator; plus strand). Cytogenetic location: 21q22.3.
Variant type: single nucleotide variant.
Coding change: c.785A>G on transcript NM_000383.4 (MANE Select); coding-DNA position 785, A replaced by G.
Protein change: p.Gln262Arg; replaces glutamine 262 with arginine.
Molecular consequence: missense variant.
Genome position (GRCh38, 1-based): chr21:44,289,789, A>G. VCF-style: chr21-44289789-A-G. GRCh37 (hg19) VCF-style: chr21-45709672-A-G.
Other names: short protein forms Q262R.
Identifiers: ClinVar variation 861359 (VCV000861359.7), dbSNP rs2040517979, ClinGen allele CA410424577.

ClinVar aggregate classification (germline): Uncertain significance (1 of 4 stars; one submission).

Conditions:
Polyglandular autoimmune syndrome, type 1 (APS1). Also called: Autoimmune polyendocrinopathy syndrome, type I; Autoimmune polyendocrinopathy syndrome , type I, with or without reversible metaphyseal dysplasia; HYPOADRENOCORTICISM WITH HYPOPARATHYROIDISM AND SUPERFICIAL MONILIASIS; Autoimmune polyendocrine syndrome type 1; AUTOIMMUNE POLYENDOCRINE SYNDROME, TYPE I, WITH OR WITHOUT REVERSIBLE METAPHYSEAL DYSPLASIA; PGA I. Identifiers: Orphanet 3453, MedGen C0085859, MONDO:0009411, OMIM 240300.

Submission:

Labcorp Genetics (formerly Invitae), Labcorp
Classification: Uncertain significance for Polyglandular autoimmune syndrome, type 1. Last evaluated: 2021-08-26. Review status: criteria provided, single submitter. Criteria: Invitae Variant Classification Sherloc (09022015). Collection method: clinical testing. Allele origin: germline.
Comment: This sequence change replaces glutamine with arginine at codon 262 of the AIRE protein (p.Gln262Arg). The glutamine residue is highly conserved and there is a small physicochemical difference between glutamine and arginine. This variant is not present in population databases (ExAC no frequency). This variant has not been reported in the literature in individuals affected with AIRE-related conditions. Algorithms developed to predict the effect of missense changes on protein structure and function (SIFT, PolyPhen-2, Align-GVGD) all suggest that this variant is likely to be disruptive. In summary, the available evidence is currently insufficient to determine the role of this variant in disease. Therefore, it has been classified as a Variant of Uncertain Significance.